The following is an entry in ClinVar:

NM_031407.7(HUWE1):c.4191G>A (p.Glu1397=)

Gene: HUWE1 (HECT, UBA and WWE domain containing E3 ubiquitin protein ligase 1; minus strand). Cytogenetic location: Xp11.22.
Variant type: single nucleotide variant.
Coding change: c.4191G>A on transcript NM_031407.7 (MANE Select); coding-DNA position 4191, G replaced by A.
Protein change: p.Glu1397=; no amino-acid change (glutamic acid 1397 retained).
Molecular consequence: synonymous variant.
Genome position (GRCh38, 1-based): chrX:53,590,404, C>T on the plus strand (G>A on the coding strand, the complement: HUWE1 is on the minus strand). VCF-style: chrX-53590404-C-T. GRCh37 (hg19) VCF-style: chrX-53617364-C-T.
Identifiers: ClinVar variation 2430801 (VCV002430801.1), dbSNP rs2525958479, ClinGen allele CA516438964.

ClinVar aggregate classification (germline): Uncertain significance (1 of 4 stars; one submission).

Submission:

GeneDx
Classification: Uncertain significance. Last evaluated: 2022-08-23. Review status: criteria provided, single submitter. Criteria: GeneDx Variant Classification Process June 2021. Collection method: clinical testing. Allele origin: germline. Affected: yes.
Comment: Not observed at significant frequency in large population cohorts (gnomAD); In-silico analysis is inconclusive as to whether the variant alters gene splicing. In the absence of RNA/functional studies, the actual effect of this sequence change is unknown.; Has not been previously published as pathogenic or benign to our knowledge